The following is an entry in ClinVar:

ClinVar aggregate classification (germline): Likely pathogenic (1 of 4 stars; one submission).

Conditions:
Aculeiform cataract (CTRCT4). Also called: Fasciculiform cataract; Frosted cataract; Needle-shaped cataract. Identifiers: MedGen C1861832, HP:0010926.

Submission:

Labcorp Genetics (formerly Invitae), Labcorp
Classification: Likely pathogenic for Aculeiform cataract. Last evaluated: 2022-07-21. Review status: criteria provided, single submitter. Criteria: Invitae Variant Classification Sherloc (09022015). Collection method: clinical testing. Allele origin: germline.
Comment: Algorithms developed to predict the effect of missense changes on protein structure and function (SIFT, PolyPhen-2, Align-GVGD) all suggest that this variant is likely to be tolerated. In summary, the currently available evidence indicates that the variant is pathogenic, but additional data are needed to prove that conclusively. Therefore, this variant has been classified as Likely Pathogenic. This missense change has been observed in individual(s) with congenital cataracts (Invitae). In at least one individual the variant was observed to be de novo. This sequence change replaces serine, which is neutral and polar, with proline, which is neutral and non-polar, at codon 52 of the CRYGD protein (p.Ser52Pro). This variant is not present in population databases (gnomAD no frequency).

NM_006891.4(CRYGD):c.154T>C (p.Ser52Pro)

Genes: CRYGD (crystallin gamma D; minus strand), LOC100507443 (uncharacterized LOC100507443; plus strand). Cytogenetic location: 2q33.3.
Variant type: single nucleotide variant.
Coding change: c.154T>C on transcript NM_006891.4 (MANE Select); coding-DNA position 154, T replaced by C.
Protein change: p.Ser52Pro; replaces serine 52 with proline.
Molecular consequence: missense variant.
Genome position (GRCh38, 1-based): chr2:208,124,210, A>G on the plus strand (T>C on the coding strand, the complement: CRYGD is on the minus strand). VCF-style: chr2-208124210-A-G. GRCh37 (hg19) VCF-style: chr2-208988934-A-G.
Other names: short protein forms S52P.
Identifiers: ClinVar variation 1994732 (VCV001994732.4), dbSNP rs2469111254, ClinGen allele CA350092657.